The following is an entry in ClinVar:

ClinVar aggregate classification (germline): Uncertain significance. Review status: criteria provided, multiple submitters, no conflicts (2 of 4 stars). 2 submissions from 2 submitters: Uncertain significance (2). Last evaluated 2025-08-21.

Conditions:
Inborn genetic diseases. Identifiers: MedGen C0950123, MeSH D030342.

Allele frequency attached by ClinVar (database versions not stated): ExAC 0.00005; gnomAD 0.00009; TOPMed 0.00011; ESP Exome Variant Server 0.00023.
gnomAD v4.1: 59 of 1,612,132 alleles (0.0037%); highest among the groups gnomAD compares: African/African-American, 0.036%; no homozygotes.

Submissions (2):

Ambry Genetics
Classification: Uncertain significance for Inborn genetic diseases. Last evaluated: 2025-08-21. Review status: criteria provided, single submitter. Criteria: Ambry Variant Classification Scheme 2023. Collection method: clinical testing. Allele origin: germline.

Labcorp Genetics (formerly Invitae), Labcorp
Classification: Uncertain significance. Last evaluated: 2022-08-07. Review status: criteria provided, single submitter. Criteria: Invitae Variant Classification Sherloc (09022015). Collection method: clinical testing. Allele origin: germline.
Comment: This sequence change replaces aspartic acid, which is acidic and polar, with asparagine, which is neutral and polar, at codon 558 of the SLC26A3 protein (p.Asp558Asn). This variant is present in population databases (rs370246673, gnomAD 0.02%). This variant has not been reported in the literature in individuals affected with SLC26A3-related conditions. Advanced modeling of protein sequence and biophysical properties (such as structural, functional, and spatial information, amino acid conservation, physicochemical variation, residue mobility, and thermodynamic stability) performed at Invitae indicates that this missense variant is not expected to disrupt SLC26A3 protein function. In summary, the available evidence is currently insufficient to determine the role of this variant in disease. Therefore, it has been classified as a Variant of Uncertain Significance.

NM_000111.3(SLC26A3):c.1672G>A (p.Asp558Asn)

Gene: SLC26A3 (solute carrier family 26 member 3; minus strand). Cytogenetic location: 7q22.3.
Variant type: single nucleotide variant.
Coding change: c.1672G>A on transcript NM_000111.3 (MANE Select); coding-DNA position 1672, G replaced by A.
Protein change: p.Asp558Asn; replaces aspartic acid 558 with asparagine.
Molecular consequence: missense variant.
Genome position (GRCh38, 1-based): chr7:107,776,457, C>T on the plus strand (G>A on the coding strand, the complement: SLC26A3 is on the minus strand). VCF-style: chr7-107776457-C-T. GRCh37 (hg19) VCF-style: chr7-107416902-C-T.
Other names: short protein forms D558N.
Identifiers: ClinVar variation 2062639 (VCV002062639.2), dbSNP rs370246673, ClinGen allele CA4433752.